The following is an entry in ClinVar:

NM_022100.3(MRPS14):c.302A>G (p.Lys101Arg)

Gene: MRPS14 (mitochondrial ribosomal protein S14; minus strand). Cytogenetic location: 1q25.1.
Variant type: single nucleotide variant.
Coding change: c.302A>G on transcript NM_022100.3 (MANE Select); coding-DNA position 302, A replaced by G.
Protein change: p.Lys101Arg; replaces lysine 101 with arginine.
Molecular consequence: missense variant. On other transcripts: non-coding transcript variant (1).
Genome position (GRCh38, 1-based): chr1:175,014,754, T>C on the plus strand (A>G on the coding strand, the complement: MRPS14 is on the minus strand). VCF-style: chr1-175014754-T-C. GRCh37 (hg19) VCF-style: chr1-174983890-T-C.
Other names: short protein forms K101R.
Identifiers: ClinVar variation 3398296 (VCV003398296.2).

ClinVar aggregate classification (germline): Uncertain significance. Review status: criteria provided, multiple submitters, no conflicts (2 of 4 stars). 2 submissions from 2 submitters: Uncertain significance (2). Last evaluated 2025-08-03.

gnomAD v4.1: 99 of 1,613,946 alleles (0.0061%); highest among the groups gnomAD compares: Non-Finnish European, 0.0083%; no homozygotes.

Submissions (2):

Labcorp Genetics (formerly Invitae), Labcorp
Classification: Uncertain significance. Last evaluated: 2025-08-03. Review status: criteria provided, single submitter. Criteria: Invitae Variant Classification Sherloc (09022015). Collection method: clinical testing. Allele origin: germline.
Comment: This sequence change replaces lysine, which is basic and polar, with arginine, which is basic and polar, at codon 101 of the MRPS14 protein (p.Lys101Arg). This variant is present in population databases (rs764967137, gnomAD 0.004%). This variant has not been reported in the literature in individuals affected with MRPS14-related conditions. ClinVar contains an entry for this variant (Variation ID: 3398296). An algorithm developed to predict the effect of missense changes on protein structure and function (PolyPhen-2) suggests that this variant is likely to be disruptive. In summary, the available evidence is currently insufficient to determine the role of this variant in disease. Therefore, it has been classified as a Variant of Uncertain Significance.

Ambry Genetics
Classification: Uncertain significance. Last evaluated: 2024-12-10. Review status: criteria provided, single submitter. Criteria: Ambry Variant Classification Scheme 2023. Collection method: clinical testing. Allele origin: germline.